The following is an entry in ClinVar:

ClinVar aggregate classification (germline): Uncertain significance (1 of 4 stars; one submission).

Submission:

Labcorp Genetics (formerly Invitae), Labcorp
Classification: Uncertain significance. Last evaluated: 2023-04-06. Review status: criteria provided, single submitter. Criteria: Invitae Variant Classification Sherloc (09022015). Collection method: clinical testing. Allele origin: germline.
Comment: This sequence change replaces tyrosine, which is neutral and polar, with serine, which is neutral and polar, at codon 262 of the SLC17A8 protein (p.Tyr262Ser). This variant is not present in population databases (gnomAD no frequency). This variant has not been reported in the literature in individuals affected with SLC17A8-related conditions. Advanced modeling of protein sequence and biophysical properties (such as structural, functional, and spatial information, amino acid conservation, physicochemical variation, residue mobility, and thermodynamic stability) performed at Invitae indicates that this missense variant is not expected to disrupt SLC17A8 protein function. In summary, the available evidence is currently insufficient to determine the role of this variant in disease. Therefore, it has been classified as a Variant of Uncertain Significance.

NM_139319.3(SLC17A8):c.785A>C (p.Tyr262Ser)

Gene: SLC17A8 (solute carrier family 17 member 8; plus strand). Cytogenetic location: 12q23.1.
Variant type: single nucleotide variant.
Coding change: c.785A>C on transcript NM_139319.3 (MANE Select); coding-DNA position 785, A replaced by C.
Protein change: p.Tyr262Ser; replaces tyrosine 262 with serine.
Molecular consequence: missense variant.
Genome position (GRCh38, 1-based): chr12:100,402,361, A>C. VCF-style: chr12-100402361-A-C. GRCh37 (hg19) VCF-style: chr12-100796139-A-C.
Other names: c.785A>C, p.Tyr262Ser (NM_001145288.2); short protein forms Y262S.
Identifiers: ClinVar variation 2834900 (VCV002834900.3), dbSNP rs2500298531, ClinGen allele CA386218721.